The following is an entry in ClinVar:

NM_004646.4(NPHS1):c.528T>C (p.Ser176=)

Gene: NPHS1 (NPHS1 adhesion molecule, nephrin; minus strand). Cytogenetic location: 19q13.12.
Variant type: single nucleotide variant.
Coding change: c.528T>C on transcript NM_004646.4 (MANE Select); coding-DNA position 528, T replaced by C.
Protein change: p.Ser176=; no amino-acid change (serine 176 retained).
Molecular consequence: synonymous variant.
Genome position (GRCh38, 1-based): chr19:35,850,444, A>G on the plus strand (T>C on the coding strand, the complement: NPHS1 is on the minus strand). VCF-style: chr19-35850444-A-G. GRCh37 (hg19) VCF-style: chr19-36341346-A-G.
Other names: p.Ser176=.
Identifiers: ClinVar variation 222760 (VCV000222760.15), dbSNP rs539716201, ClinGen allele CA352418.
Genomic context (GRCh38, chr19:35,850,444, plus strand): 5'-GAAGAGTTTCTGCTGGGAGCCCTCGTTCACGTTTGCAGAGATGTCAGATATTGTCTGTCC[A>G]CCTTGGGGCAGCAAGAGGGCTAGAGGGGTTCCAGGCTCCCCGCAAGATAGATTCTGGGGA-3'
Protein context (NP_004637.1, residues 166-186): KPAPDITILL[Ser176=]GQTISDISAN

ClinVar aggregate classification (germline): Benign/Likely benign. Review status: criteria provided, multiple submitters, no conflicts (2 of 4 stars). 4 submissions from 4 submitters: Benign (2); Likely benign (1). 1 of the submissions does not count toward it. Last evaluated 2026-01-26.

Conditions:
Finnish congenital nephrotic syndrome (NPHS1). Also called: NEPHROTIC SYNDROME, TYPE 1. Identifiers: Orphanet 839, MedGen C0403399, MONDO:0009732, OMIM 256300.

Allele frequency attached by ClinVar (database versions not stated): 1000 Genomes Project 30x 0.00016; 1000 Genomes Project 0.00020; gnomAD 0.00026 and 0.00027; TOPMed 0.00029.
gnomAD v4.1: 297 of 1,613,984 alleles (0.018%); highest among the groups gnomAD compares: Middle Eastern, 0.26%; 3 homozygotes.

Submissions (4):

Labcorp Genetics (formerly Invitae), Labcorp
Classification: Benign. Last evaluated: 2026-01-26. Review status: criteria provided, single submitter. Criteria: Invitae Variant Classification Sherloc (09022015). Collection method: clinical testing. Allele origin: germline.

Blueprint Genetics
Classification: Likely benign. Last evaluated: 2024-11-07. Review status: criteria provided, single submitter. Criteria: ACMG Guidelines, 2015. Collection method: clinical testing. Allele origin: germline.

Mayo Clinic Laboratories, Mayo Clinic
Classification: Benign. Last evaluated: 2023-08-31. Review status: criteria provided, single submitter. Criteria: ACMG Guidelines, 2015. Collection method: clinical testing. Allele origin: germline. Observed: 2 variant alleles.
Comment: BS1, BS2

Natera, Inc.
Classification: Benign for Finnish congenital nephrotic syndrome. Last evaluated: 2020-01-12. Review status: no assertion criteria provided. Collection method: clinical testing. Allele origin: germline. Not counted in ClinVar's aggregate classification.

Literature cited by the submitters: PubMed 23595123 (cited by Mayo Clinic Laboratories, Mayo Clinic).